The following is an entry in ClinVar:

NM_000179.3(MSH6):c.3181C>G (p.Leu1061Val)

Gene: MSH6 (mutS homolog 6; plus strand). Cytogenetic location: 2p16.3.
Variant type: single nucleotide variant.
Coding change: c.3181C>G on transcript NM_000179.3 (MANE Select); coding-DNA position 3181, C replaced by G.
Protein change: p.Leu1061Val; replaces leucine 1061 with valine.
Molecular consequence: missense variant.
Genome position (GRCh38, 1-based): chr2:47,803,428, C>G. VCF-style: chr2-47803428-C-G. GRCh37 (hg19) VCF-style: chr2-48030567-C-G.
Other names: c.2791C>G, p.Leu931Val (NM_001281492.2); c.2275C>G, p.Leu759Val (NM_001281493.2, NM_001281494.2); short protein forms L1061V, L759V, L931V.
Identifiers: ClinVar variation 455240 (VCV000455240.23), dbSNP rs1553331250, ClinGen allele CA346757829.

ClinVar aggregate classification (germline): Uncertain significance. Review status: criteria provided, multiple submitters, no conflicts (2 of 4 stars). 7 submissions from 7 submitters: Uncertain significance (6). 1 of the submissions does not count toward it. Last evaluated 2026-01-26.

Conditions:
Hereditary nonpolyposis colorectal neoplasms. Identifiers: MedGen C0009405, MeSH D003123.
Lynch syndrome 5 (LYNCH5). Also called: Colorectal cancer, hereditary nonpolyposis, type 5; Hereditary non-polyposis colorectal cancer, type 5. Identifiers: Orphanet 144, MedGen C1833477, MONDO:0013710, OMIM 614350. Disease mechanism: loss of function.
Lynch syndrome. Identifiers: Orphanet 144, MedGen C4552100, MONDO:0005835. Disease mechanism: loss of function.
Hereditary cancer-predisposing syndrome. Also called: Neoplastic Syndromes, Hereditary; Tumor predisposition; Hereditary neoplastic syndrome; Hereditary Cancer Syndrome. Identifiers: Orphanet 140162, MedGen C0027672, MeSH D009386, MONDO:0015356.

Allele frequency attached by ClinVar (database versions not stated): gnomAD 0.00001.
gnomAD v4.1: 1 of 1,614,062 alleles (0.000062%); highest among the groups gnomAD compares: African/African-American, 0.0013%; no homozygotes.

Submissions (7):

Ambry Genetics
Classification: Uncertain significance for Hereditary cancer-predisposing syndrome. Last evaluated: 2026-01-26. Review status: criteria provided, single submitter. Criteria: Ambry Variant Classification Scheme 2023. Collection method: clinical testing. Allele origin: germline.

Color Diagnostics, LLC DBA Color Health
Classification: Uncertain significance for Hereditary cancer-predisposing syndrome. Last evaluated: 2025-02-24. Review status: criteria provided, single submitter. Criteria: ACMG Guidelines, 2015. Collection method: clinical testing. Allele origin: germline.
Comment: This missense variant replaces leucine with valine at codon 1061 of the MSH6 protein. Computational prediction suggests that this variant may not impact protein structure and function. To our knowledge, functional studies have not been reported for this variant. This variant has been reported in an individual affected with sebaceous carcinoma (PMID: 25006859). This variant has not been identified in the general population by the Genome Aggregation Database (gnomAD). The available evidence is insufficient to determine the role of this variant in disease conclusively. Therefore, this variant is classified as a Variant of Uncertain Significance.

All of Us Research Program, National Institutes of Health
Classification: Uncertain significance for Lynch syndrome. Last evaluated: 2024-04-16. Review status: criteria provided, single submitter. Criteria: ACMG Guidelines, 2015. Collection method: clinical testing. Allele origin: germline. Inheritance: Autosomal dominant inheritance. Observed: 3 variant alleles, 3 heterozygotes.
Comment: This missense variant replaces leucine with valine at codon 1061 of the MSH6 protein. Computational prediction tools and conservation analyses are inconclusive regarding the impact of this variant on protein structure and function. Splice site prediction tools suggest that this variant may not impact RNA splicing. To our knowledge, functional studies have not been performed for this variant. This variant has not been reported in individuals affected with hereditary cancer in the literature. This variant has not been identified in the general population by the Genome Aggregation Database (gnomAD). The available evidence is insufficient to determine the role of this variant in disease conclusively. Therefore, this variant is classified as a Variant of Uncertain Significance.

This study involves interpretation of variants in research participants for the purpose of population health screening. Participant phenotype was not available at the time of variant classification. Additional details can be found in publication PMID: 35346344, PMCID: PMC8962531

Labcorp Genetics (formerly Invitae), Labcorp
Classification: Uncertain significance for Hereditary nonpolyposis colorectal neoplasms. Last evaluated: 2023-08-29. Review status: criteria provided, single submitter. Criteria: Invitae Variant Classification Sherloc (09022015). Collection method: clinical testing. Allele origin: germline.
Comment: In summary, the available evidence is currently insufficient to determine the role of this variant in disease. Therefore, it has been classified as a Variant of Uncertain Significance. RNA analysis performed to evaluate the impact of this missense change on mRNA splicing indicates it does not significantly alter splicing (Invitae). Advanced modeling of protein sequence and biophysical properties (such as structural, functional, and spatial information, amino acid conservation, physicochemical variation, residue mobility, and thermodynamic stability) performed at Invitae indicates that this missense variant is not expected to disrupt MSH6 protein function. This variant has not been reported in the literature in individuals affected with MSH6-related conditions. ClinVar contains an entry for this variant (Variation ID: 455240). This variant is not present in population databases (gnomAD no frequency). This sequence change replaces leucine, which is neutral and non-polar, with valine, which is neutral and non-polar, at codon 1061 of the MSH6 protein (p.Leu1061Val).

Myriad Genetics, Inc.
Classification: Uncertain significance for Lynch syndrome 5. Last evaluated: 2023-03-27. Review status: criteria provided, single submitter. Criteria: Myriad Autosomal Dominant, Autosomal Recessive and X-Linked Classification Criteria (2023). Collection method: clinical testing. Allele origin: unknown.
Comment: This variant is classified as a variant of uncertain significance as there is insufficient evidence to determine its impact on protein function and/or cancer risk.

Women's Health and Genetics/Laboratory Corporation of America, LabCorp
Classification: Uncertain significance. Last evaluated: 2022-06-09. Review status: criteria provided, single submitter. Criteria: LabCorp Variant Classification Summary - May 2015. Collection method: clinical testing. Allele origin: germline.

Counsyl
Classification: Uncertain significance for Lynch syndrome 5. Last evaluated: 2018-04-12. Review status: no assertion criteria provided. Collection method: clinical testing. Allele origin: unknown. Not counted in ClinVar's aggregate classification.

Literature cited by the submitters: PubMed 25006859 (cited by Color Diagnostics, LLC DBA Color Health).